The following is an entry in ClinVar:

ClinVar aggregate classification (germline): Likely pathogenic. Review status: criteria provided, multiple submitters, no conflicts (2 of 4 stars). 2 submissions from 2 submitters: Likely pathogenic (2). Last evaluated 2025-12-29.

Submissions (2):

Center for Genomic Medicine, Rigshospitalet, Copenhagen University Hospital
Classification: Likely pathogenic. Last evaluated: 2025-12-29. Review status: criteria provided, single submitter. Criteria: ACMG Guidelines, 2015. Collection method: clinical testing. Allele origin: germline.
Comment: Classification criteria: PVS1, PM2_supporting

Labcorp Genetics (formerly Invitae), Labcorp
Classification: Likely pathogenic. Last evaluated: 2025-01-11. Review status: criteria provided, single submitter. Criteria: Invitae Variant Classification Sherloc (09022015). Collection method: clinical testing. Allele origin: germline.
Comment: This sequence change affects an acceptor splice site in intron 10 of the CTNNA1 gene. It is expected to disrupt RNA splicing. Variants that disrupt the donor or acceptor splice site typically lead to a loss of protein function (PMID: 16199547), and loss-of-function variants in CTNNA1 are known to be pathogenic (PMID: 32051609, 34425242). This variant is not present in population databases (gnomAD no frequency). This variant has not been reported in the literature in individuals affected with CTNNA1-related conditions. Algorithms developed to predict the effect of sequence changes on RNA splicing suggest that this variant may disrupt the consensus splice site. In summary, the currently available evidence indicates that the variant is pathogenic, but additional data are needed to prove that conclusively. Therefore, this variant has been classified as Likely Pathogenic.

Literature cited by the submitters: PubMed 16199547 (cited by Labcorp Genetics (formerly Invitae), Labcorp); PubMed 32051609 (cited by Labcorp Genetics (formerly Invitae), Labcorp); PubMed 34425242 (cited by Labcorp Genetics (formerly Invitae), Labcorp).

NM_001903.5(CTNNA1):c.1390-1G>A

Gene: CTNNA1 (catenin alpha 1; plus strand). Cytogenetic location: 5q31.2.
Variant type: single nucleotide variant.
Coding change: c.1390-1G>A on transcript NM_001903.5 (MANE Select); the canonical splice acceptor site of the intron before coding-DNA position 1390, G replaced by A.
Molecular consequence: splice acceptor variant.
Genome position (GRCh38, 1-based): chr5:138,917,741, G>A. VCF-style: chr5-138917741-G-A. GRCh37 (hg19) VCF-style: chr5-138253430-G-A.
Other names: c.1390-1G>A (NM_001323982.2, NM_001323984.2, NM_001290307.3 and 2 more transcripts); c.1297-1G>A (NM_001323986.2); c.1021-1G>A (NM_001290310.3); c.1081-1G>A (NM_001290309.3); c.280-1G>A (NM_001323996.1, NM_001323993.1, NM_001324005.1 and 17 more transcripts); c.-60-1G>A (NM_001324007.1, NM_001324009.1, NM_001324006.1 and 2 more transcripts); c.37-1G>A (NM_001324013.1, NM_001324012.1); c.187-1G>A (NM_001324011.1).
Identifiers: ClinVar variation 3728788 (VCV003728788.3).